The following is an entry in ClinVar:

ClinVar aggregate classification (germline): Likely benign. Review status: criteria provided, multiple submitters, no conflicts (2 of 4 stars). 2 submissions from 2 submitters: Likely benign (2). Last evaluated 2024-02-20.

Conditions:
Familial thoracic aortic aneurysm and aortic dissection (TAAD). Also called: Thoracic aortic aneurysms and dissections. Identifiers: Orphanet 91387, MedGen C4707243, MONDO:0019625.
Marfan syndrome (MFS). Also called: Marfan syndrome type 1; Marfan syndrome, classic; Marfan's syndrome; FBN1-Related Marfan Syndrome; MARFAN SYNDROME, TYPE I. Identifiers: Orphanet 284963, Orphanet 558, MedGen C0024796, MONDO:0007947, OMIM 154700.

Submissions (2):

Labcorp Genetics (formerly Invitae), Labcorp
Classification: Likely benign for Marfan syndrome; Familial thoracic aortic aneurysm and aortic dissection. Last evaluated: 2024-02-20. Review status: criteria provided, single submitter. Criteria: Invitae Variant Classification Sherloc (09022015). Collection method: clinical testing. Allele origin: germline.

GeneDx
Classification: Likely benign. Last evaluated: 2018-02-20. Review status: criteria provided, single submitter. Criteria: GeneDx Variant Classification (06012015). Collection method: clinical testing. Allele origin: germline. Affected: yes.
Comment: This variant is considered likely benign or benign based on one or more of the following criteria: it is a conservative change, it occurs at a poorly conserved position in the protein, it is predicted to be benign by multiple in silico algorithms, and/or has population frequency not consistent with disease.

NM_000138.5(FBN1):c.5328C>T (p.Val1776=)

Gene: FBN1 (fibrillin 1; minus strand). Cytogenetic location: 15q21.1.
Variant type: single nucleotide variant.
Coding change: c.5328C>T on transcript NM_000138.5 (MANE Select); coding-DNA position 5328, C replaced by T.
Protein change: p.Val1776=; no amino-acid change (valine 1776 retained).
Molecular consequence: synonymous variant.
Genome position (GRCh38, 1-based): chr15:48,456,731, G>A on the plus strand (C>T on the coding strand, the complement: FBN1 is on the minus strand). VCF-style: chr15-48456731-G-A. GRCh37 (hg19) VCF-style: chr15-48748928-G-A.
Identifiers: ClinVar variation 515654 (VCV000515654.3), dbSNP rs1555396430, ClinGen allele CA490023983.
Genomic context (GRCh38, chr15:48,456,731, plus strand): 5'-TCCCACTGGACATTCACATCGGAAGCTGCCAACCATGTTGATACACACTCCATTTTCACA[G>A]ACCCCTGGGATCTCCCGGCACTCATCAATATCTAGAGACAGAGTAGTCATTCATGAGTGA-3'
Protein context (NP_000129.3, residues 1766-1786): DIDECREIPG[Val1776=]CENGVCINMV